The following is an entry in ClinVar:

NM_177438.3(DICER1):c.4490A>T (p.Asp1497Val)

Gene: DICER1 (dicer 1, ribonuclease III; minus strand). Cytogenetic location: 14q32.13.
Variant type: single nucleotide variant.
Coding change: c.4490A>T on transcript NM_177438.3 (MANE Select); coding-DNA position 4490, A replaced by T.
Protein change: p.Asp1497Val; replaces aspartic acid 1497 with valine.
Molecular consequence: missense variant.
Genome position (GRCh38, 1-based): chr14:95,096,430, T>A on the plus strand (A>T on the coding strand, the complement: DICER1 is on the minus strand). VCF-style: chr14-95096430-T-A. GRCh37 (hg19) VCF-style: chr14-95562767-T-A.
Other names: c.4490A>T, p.Asp1497Val (NM_001195573.1, NM_001271282.3, NM_001291628.2 and 1 more transcripts); short protein forms D1497V.
Identifiers: ClinVar variation 655442 (VCV000655442.21), dbSNP rs1595341147, ClinGen allele CA390868133.

ClinVar aggregate classification (germline): Uncertain significance. Review status: criteria provided, multiple submitters, no conflicts (2 of 4 stars). 4 submissions from 4 submitters: Uncertain significance (4). Last evaluated 2025-08-31.

Conditions:
DICER1-related tumor predisposition. Also called: DICER1 syndrome; DICER1-related pleuropulmonary blastoma cancer predisposition syndrome. Identifiers: Orphanet 284343, MedGen C3839822, MONDO:0100216.
Hereditary cancer-predisposing syndrome. Also called: Neoplastic Syndromes, Hereditary; Hereditary neoplastic syndrome; Hereditary Cancer Syndrome; Tumor predisposition. Identifiers: Orphanet 140162, MedGen C0027672, MeSH D009386, MONDO:0015356.

Allele frequency attached by ClinVar (database versions not stated): TOPMed below 0.00001.

Submissions (4):

Labcorp Genetics (formerly Invitae), Labcorp
Classification: Uncertain significance for DICER1-related tumor predisposition. Last evaluated: 2025-08-31. Review status: criteria provided, single submitter. Criteria: Invitae Variant Classification Sherloc (09022015). Collection method: clinical testing. Allele origin: germline.
Comment: This sequence change replaces aspartic acid, which is acidic and polar, with valine, which is neutral and non-polar, at codon 1497 of the DICER1 protein (p.Asp1497Val). This variant is not present in population databases (gnomAD no frequency). This missense change has been observed in individual(s) with DICER1-related conditions (PMID: 34313605). ClinVar contains an entry for this variant (Variation ID: 655442). Invitae Evidence Modeling of protein sequence and biophysical properties (such as structural, functional, and spatial information, amino acid conservation, physicochemical variation, residue mobility, and thermodynamic stability) indicates that this missense variant is not expected to disrupt DICER1 protein function with a negative predictive value of 95%. In summary, the available evidence is currently insufficient to determine the role of this variant in disease. Therefore, it has been classified as a Variant of Uncertain Significance.

Quest Diagnostics Nichols Institute San Juan Capistrano
Classification: Uncertain significance. Last evaluated: 2025-06-03. Review status: criteria provided, single submitter. Criteria: Quest Diagnostics criteria. Collection method: clinical testing. Allele origin: unknown.
Comment: The DICER1 c.4490A>T (p.Asp1497Val) variant has been reported in the published literature in a young individual with pituitary adenoma (PMID: 34313605 (2021)). This variant has not been reported in large, multi-ethnic general populations (Genome Aggregation Database). Analysis of this variant using bioinformatics tools for the prediction of the effect of amino acid changes on protein structure and function yielded conflicting predictions that this variant is benign or damaging. Based on the available information, we are unable to determine the clinical significance of this variant.

GeneDx
Classification: Uncertain significance. Last evaluated: 2024-12-31. Review status: criteria provided, single submitter. Criteria: GeneDx Variant Classification Process June 2021. Collection method: clinical testing. Allele origin: germline. Affected: yes.
Comment: Not observed at significant frequency in large population cohorts (gnomAD); In silico analysis indicates that this missense variant does not alter protein structure/function; Identified in an individual with sporadic pituitary adenoma (PMID: 34313605); This variant is associated with the following publications: (PMID: 34313605)

Ambry Genetics
Classification: Uncertain significance for Hereditary cancer-predisposing syndrome. Last evaluated: 2024-06-12. Review status: criteria provided, single submitter. Criteria: Ambry Variant Classification Scheme 2023. Collection method: clinical testing. Allele origin: germline.
Comment: The p.D1497V variant (also known as c.4490A>T), located in coding exon 22 of the DICER1 gene, results from an A to T substitution at nucleotide position 4490. The aspartic acid at codon 1497 is replaced by valine, an amino acid with highly dissimilar properties. This amino acid position is not well conserved in available vertebrate species. In addition, the in silico prediction for this alteration is inconclusive. Since supporting evidence is limited at this time, the clinical significance of this alteration remains unclear.

Literature cited by the submitters: PubMed 34313605 (cited by Labcorp Genetics (formerly Invitae), Labcorp and Quest Diagnostics Nichols Institute San Juan Capistrano).